The following is an entry in ClinVar:

NM_000536.4(RAG2):c.843T>A (p.Asn281Lys)

Gene: RAG2 (recombination activating 2; minus strand). Cytogenetic location: 11p12.
Variant type: single nucleotide variant.
Coding change: c.843T>A on transcript NM_000536.4 (MANE Select); coding-DNA position 843, T replaced by A.
Protein change: p.Asn281Lys; replaces asparagine 281 with lysine.
Molecular consequence: missense variant.
Genome position (GRCh38, 1-based): chr11:36,593,326, A>T on the plus strand (T>A on the coding strand, the complement: RAG2 is on the minus strand). VCF-style: chr11-36593326-A-T. GRCh37 (hg19) VCF-style: chr11-36614876-A-T.
Other names: c.843T>A, p.Asn281Lys (NM_001243785.2, NM_001243786.2); short protein forms N281K.
Identifiers: ClinVar variation 1947305 (VCV001947305.2), dbSNP rs1851074076, ClinGen allele CA380141992.

ClinVar aggregate classification (germline): Uncertain significance (1 of 4 stars; one submission).

Conditions:
Combined immunodeficiency with skin granulomas. Identifiers: Orphanet 157949, MedGen C2673536, MONDO:0009306, OMIM 233650.
Severe combined immunodeficiency, autosomal recessive, T cell-negative, B cell-negative, NK cell-positive. Also called: SCID, AR, T-cell negative, B-cell negative, NK cell-positive; Severe combined immunodeficiency due to complete RAG1/2 deficiency; SCID, T CELL-NEGATIVE, B CELL-NEGATIVE, NK CELL-POSITIVE. Identifiers: Orphanet 331206, MedGen C1832322, MONDO:0011086, OMIM 601457.

Allele frequency attached by ClinVar (database versions not stated): TOPMed below 0.00001.

Submission:

Labcorp Genetics (formerly Invitae), Labcorp
Classification: Uncertain significance for Combined immunodeficiency with skin granulomas; Severe combined immunodeficiency, autosomal recessive, T cell-negative, B cell-negative, NK cell-positive. Last evaluated: 2022-04-22. Review status: criteria provided, single submitter. Criteria: Invitae Variant Classification Sherloc (09022015). Collection method: clinical testing. Allele origin: germline.
Comment: This sequence change replaces asparagine, which is neutral and polar, with lysine, which is basic and polar, at codon 281 of the RAG2 protein (p.Asn281Lys). This variant is not present in population databases (gnomAD no frequency). This variant has not been reported in the literature in individuals affected with RAG2-related conditions. Advanced modeling of protein sequence and biophysical properties (such as structural, functional, and spatial information, amino acid conservation, physicochemical variation, residue mobility, and thermodynamic stability) performed at Invitae indicates that this missense variant is not expected to disrupt RAG2 protein function. In summary, the available evidence is currently insufficient to determine the role of this variant in disease. Therefore, it has been classified as a Variant of Uncertain Significance.